The following is an entry in ClinVar:

NM_007294.4(BRCA1):c.5074+191C>G

Gene: BRCA1 (BRCA1 DNA repair associated; minus strand). Cytogenetic location: 17q21.31.
Variant type: single nucleotide variant.
Coding change: c.5074+191C>G on transcript NM_007294.4 (MANE Select); 191 bases into the intron after coding-DNA position 5074, C replaced by G.
Molecular consequence: intron variant.
Genome position (GRCh38, 1-based): chr17:43,067,417, G>C on the plus strand (C>G on the coding strand, the complement: BRCA1 is on the minus strand). VCF-style: chr17-43067417-G-C. GRCh37 (hg19) VCF-style: chr17-41219434-G-C.
Other names: c.1621+191C>G (NM_001408458.1, NM_001408461.1, NM_001408464.1 and 7 more transcripts); c.4183+191C>G (NM_001407967.1); c.4693+191C>G (NM_001407959.1); c.4807+191C>G (NM_001407931.1, NM_001407932.1, NM_001407928.1 and 4 more transcripts); c.4930+191C>G (NM_001407747.1, NM_001407745.1, NM_001407737.1 and 21 more transcripts); c.4690+191C>G (NM_001407962.1, NM_001407960.1); c.1261+191C>G (NM_001408512.1); c.1384+191C>G (NM_001408510.1); and 71 more.
Identifiers: ClinVar variation 1745171 (VCV001745171.2), dbSNP rs2550075457, ClinGen allele CA2580093969.

ClinVar aggregate classification (germline): Uncertain significance (1 of 4 stars; one submission).

Conditions:
Hereditary cancer-predisposing syndrome. Also called: Hereditary Cancer Syndrome; Neoplastic Syndromes, Hereditary; Tumor predisposition; Hereditary neoplastic syndrome. Identifiers: Orphanet 140162, MedGen C0027672, MeSH D009386, MONDO:0015356.

Submission:

Ambry Genetics
Classification: Uncertain significance for Hereditary cancer-predisposing syndrome. Last evaluated: 2020-03-16. Review status: criteria provided, single submitter. Criteria: Ambry Variant Classification Scheme 2023. Collection method: clinical testing. Allele origin: germline.
Comment: The c.5074+191C>G intronic variant results from a C to G substitution 191 nucleotides after coding exon 15 in the BRCA1 gene. This nucleotide position is highly conserved on limited sequence alignment. Using the BDGP and ESEfinder splice site prediction tools, this alteration is predicted to create a new alternate splice donor site; however, direct evidence is insufficient at this time (Ambry internal data). Since supporting evidence is limited at this time, the clinical significance of this alteration remains unclear.